The following is an entry in ClinVar:

ClinVar aggregate classification (germline): Pathogenic (1 of 4 stars; one submission).

Conditions:
RPS6KA3-related disorder. Also called: RPS6KA3-related condition.

Submission:

Greenwood Genetic Center Diagnostic Laboratories, Greenwood Genetic Center
Classification: Pathogenic for RPS6KA3-related disorder. Last evaluated: 2025-04-08. Review status: criteria provided, single submitter. Criteria: ACMG Guidelines, 2015. Collection method: clinical testing. Allele origin: germline. Affected: yes.
Comment: PVS1, PS2, PM2

NM_004586.3(RPS6KA3):c.325+1G>A

Gene: RPS6KA3 (ribosomal protein S6 kinase A3; minus strand). Cytogenetic location: Xp22.12.
Variant type: single nucleotide variant.
Coding change: c.325+1G>A on transcript NM_004586.3 (MANE Select); the canonical splice donor site of the intron after coding-DNA position 325, G replaced by A.
Molecular consequence: splice donor variant.
Genome position (GRCh38, 1-based): chrX:20,204,021, C>T on the plus strand (G>A on the coding strand, the complement: RPS6KA3 is on the minus strand). VCF-style: chrX-20204021-C-T. GRCh37 (hg19) VCF-style: chrX-20222139-C-T.
Other names: c.241+1G>A (NM_001438340.1).
Identifiers: ClinVar variation 4538266 (VCV004538266.1).